The following is an entry in ClinVar:

NM_174936.4(PCSK9):c.164C>A (p.Ala55Glu)

Gene: PCSK9 (proprotein convertase subtilisin/kexin type 9; plus strand). Cytogenetic location: 1p32.3.
Variant type: single nucleotide variant.
Coding change: c.164C>A on transcript NM_174936.4 (MANE Select); coding-DNA position 164, C replaced by A.
Protein change: p.Ala55Glu; replaces alanine 55 with glutamic acid.
Molecular consequence: missense variant. On other transcripts: 5 prime UTR variant (1), non-coding transcript variant (8).
Genome position (GRCh38, 1-based): chr1:55,040,001, C>A. VCF-style: chr1-55040001-C-A. GRCh37 (hg19) VCF-style: chr1-55505674-C-A.
Other names: c.164C>A, p.Ala55Glu (NM_001407240.1, NM_001407241.1, NM_001407242.1 and 4 more transcripts); c.-571C>A (NM_001407246.1); short protein forms A55E.
Identifiers: ClinVar variation 3073785 (VCV003073785.1), dbSNP rs1644586582, ClinGen allele CA340483105.

ClinVar aggregate classification (germline): Uncertain significance (1 of 4 stars; one submission).

Conditions:
Hypercholesterolemia, autosomal dominant, 3 (FHCL3). Also called: Familial Hypercholesterolemia, Autosomal Dominant, 3; PCSK9-Related Familial Hypercholesterolemia, Autosomal Dominant; Familial hypercholesterolemia 3. Identifiers: MedGen C1863551, MONDO:0011369, OMIM 603776.

Submission:

All of Us Research Program, National Institutes of Health
Classification: Uncertain significance for Hypercholesterolemia, autosomal dominant, 3. Last evaluated: 2023-10-06. Review status: criteria provided, single submitter. Criteria: ACMG Guidelines, 2015. Collection method: clinical testing. Allele origin: germline. Inheritance: Autosomal dominant inheritance. Observed: 1 variant allele, 1 heterozygote.
Comment: This missense variant replaces alanine with glutamic acid at codon 55 of the PCSK9 protein. Computational prediction suggests that this variant may not impact protein structure and function (internally defined REVEL score threshold <= 0.5, PMID: 27666373). To our knowledge, functional studies have not been reported for this variant. This variant has not been reported in individuals affected with PCSK9-related disorders in the literature. This variant has not been identified in the general population by the Genome Aggregation Database (gnomAD). The available evidence is insufficient to determine the role of this variant in disease conclusively. Therefore, this variant is classified as a Variant of Uncertain Significance.

This study involves interpretation of variants in research participants for the purpose of population health screening. Participant phenotype was not available at the time of variant classification. Additional details can be found in publication PMID: 35346344, PMCID: PMC8962531